The following is an entry in ClinVar:

NM_001868.4(CPA1):c.491C>A (p.Thr164Lys)

Gene: CPA1 (carboxypeptidase A1; plus strand). Cytogenetic location: 7q32.2.
Variant type: single nucleotide variant.
Coding change: c.491C>A on transcript NM_001868.4 (MANE Select); coding-DNA position 491, C replaced by A.
Protein change: p.Thr164Lys; replaces threonine 164 with lysine.
Molecular consequence: missense variant.
Genome position (GRCh38, 1-based): chr7:130,383,398, C>A. VCF-style: chr7-130383398-C-A. GRCh37 (hg19) VCF-style: chr7-130023239-C-A.
Other names: short protein forms T164K.
Identifiers: ClinVar variation 3613526 (VCV003613526.2).

ClinVar aggregate classification (germline): Uncertain significance (1 of 4 stars; one submission).

Submission:

Labcorp Genetics (formerly Invitae), Labcorp
Classification: Uncertain significance. Last evaluated: 2024-07-30. Review status: criteria provided, single submitter. Criteria: Invitae Variant Classification Sherloc (09022015). Collection method: clinical testing. Allele origin: germline.
Comment: This sequence change replaces threonine, which is neutral and polar, with lysine, which is basic and polar, at codon 164 of the CPA1 protein (p.Thr164Lys). This variant is not present in population databases (gnomAD no frequency). This variant has not been reported in the literature in individuals affected with CPA1-related conditions. Advanced modeling of protein sequence and biophysical properties (such as structural, functional, and spatial information, amino acid conservation, physicochemical variation, residue mobility, and thermodynamic stability) performed at Invitae indicates that this missense variant is not expected to disrupt CPA1 protein function with a negative predictive value of 80%. In summary, the available evidence is currently insufficient to determine the role of this variant in disease. Therefore, it has been classified as a Variant of Uncertain Significance.